The following is an entry in ClinVar:

ClinVar aggregate classification (germline): Uncertain significance (1 of 4 stars; one submission).

Conditions:
Developmental and epileptic encephalopathy. Identifiers: MedGen C5779964, MONDO:0100620.

gnomAD v4.1: 15 of 1,585,856 alleles (0.00095%); highest among the groups gnomAD compares: African/African-American, 0.004%; no homozygotes.

Submission:

Labcorp Genetics (formerly Invitae), Labcorp
Classification: Uncertain significance for Early-infantile DEE. Last evaluated: 2022-04-08. Review status: criteria provided, single submitter. Criteria: Invitae Variant Classification Sherloc (09022015). Collection method: clinical testing. Allele origin: germline.
Comment: This sequence change falls in intron 21 of the CACNA2D2 gene. It does not directly change the encoded amino acid sequence of the CACNA2D2 protein. The frequency data for this variant in the population databases is considered unreliable, as metrics indicate poor data quality at this position in the gnomAD database. This variant has not been reported in the literature in individuals affected with CACNA2D2-related conditions. Algorithms developed to predict the effect of sequence changes on RNA splicing suggest that this variant may create or strengthen a splice site. In summary, the available evidence is currently insufficient to determine the role of this variant in disease. Therefore, it has been classified as a Variant of Uncertain Significance.

NM_006030.4(CACNA2D2):c.1908-6C>A

Gene: CACNA2D2 (calcium voltage-gated channel auxiliary subunit alpha2delta 2; minus strand). Cytogenetic location: 3p21.31.
Variant type: single nucleotide variant.
Coding change: c.1908-6C>A on transcript NM_006030.4 (MANE Select); 6 bases into the intron before coding-DNA position 1908, C replaced by A.
Molecular consequence: intron variant.
Genome position (GRCh38, 1-based): chr3:50,374,819, G>T on the plus strand (C>A on the coding strand, the complement: CACNA2D2 is on the minus strand). VCF-style: chr3-50374819-G-T. GRCh37 (hg19) VCF-style: chr3-50412250-G-T.
Other names: c.1701-6C>A (NM_001291101.1); c.1908-6C>A (NM_001005505.3, NM_001174051.3).
Identifiers: ClinVar variation 2156882 (VCV002156882.1), dbSNP rs200831326, ClinGen allele CA2418670.